The following is an entry in ClinVar:

NM_012295.4(CABIN1):c.4247G>A (p.Ser1416Asn)

Gene: CABIN1 (calcineurin binding protein 1; plus strand). Cytogenetic location: 22q11.23.
Variant type: single nucleotide variant.
Coding change: c.4247G>A on transcript NM_012295.4 (MANE Select); coding-DNA position 4247, G replaced by A.
Protein change: p.Ser1416Asn; replaces serine 1416 with asparagine.
Molecular consequence: missense variant.
Genome position (GRCh38, 1-based): chr22:24,113,695, G>A. VCF-style: chr22-24113695-G-A. GRCh37 (hg19) VCF-style: chr22-24509662-G-A.
Other names: c.4247G>A, p.Ser1416Asn (NM_001199281.1); c.4097G>A, p.Ser1366Asn (NM_001201429.2); short protein forms S1416N, S1366N.
Identifiers: ClinVar variation 769155 (VCV000769155.6), dbSNP rs114183458, ClinGen allele CA10149417.

ClinVar aggregate classification (germline): Benign. Review status: criteria provided, multiple submitters, no conflicts (2 of 4 stars). 3 submissions from 3 submitters: Benign (2). 1 of the submissions does not count toward it. Last evaluated 2018-04-03.

Conditions:
CABIN1-related disorder. Also called: CABIN1-related condition.

Allele frequency attached by ClinVar (database versions not stated): gnomAD exomes 0.00115 and 0.00310; ExAC 0.00380; 1000 Genomes Project 0.01098; 1000 Genomes Project 30x 0.01234; gnomAD 0.01279 and 0.01378; TOPMed 0.01388; ESP Exome Variant Server 0.01407.
gnomAD v4.1: 3,707 of 1,614,032 alleles (0.23%); highest among the groups gnomAD compares: African/African-American, 4.4%; 69 homozygotes.

Submissions (3):

Labcorp Genetics (formerly Invitae), Labcorp
Classification: Benign. Last evaluated: 2018-04-03. Review status: criteria provided, single submitter. Criteria: Invitae Variant Classification Sherloc (09022015). Collection method: clinical testing. Allele origin: germline.

Breakthrough Genomics
Classification: Benign. Review status: criteria provided, single submitter. Criteria: ACMG Guidelines, 2015. Collection method: not provided. Allele origin: germline. Inheritance: Unknown mechanism. Affected: yes.

PreventionGenetics, part of Exact Sciences
Classification: Benign for CABIN1-related condition. Last evaluated: 2019-03-25. Review status: no assertion criteria provided. Collection method: clinical testing. Allele origin: germline. Not counted in ClinVar's aggregate classification.
Comment: This variant is classified as benign based on ACMG/AMP sequence variant interpretation guidelines (Richards et al. 2015 PMID: 25741868, with internal and published modifications).